The following is an entry in ClinVar:

NM_032387.5(WNK4):c.1246G>T (p.Asp416Tyr)

Gene: WNK4 (WNK lysine deficient protein kinase 4; plus strand). Cytogenetic location: 17q21.2.
Variant type: single nucleotide variant.
Coding change: c.1246G>T on transcript NM_032387.5 (MANE Select); coding-DNA position 1246, G replaced by T.
Protein change: p.Asp416Tyr; replaces aspartic acid 416 with tyrosine.
Molecular consequence: missense variant. On other transcripts: intron variant (1).
Genome position (GRCh38, 1-based): chr17:42,785,172, G>T. VCF-style: chr17-42785172-G-T. GRCh37 (hg19) VCF-style: chr17-40937190-G-T.
Other names: c.252-94G>T (NM_001321299.2); short protein forms D416Y.
Identifiers: ClinVar variation 1947630 (VCV001947630.6), dbSNP rs2054531317, ClinGen allele CA399653965.
Genomic context (GRCh38, chr17:42,785,172, plus strand): 5'-AGCTTCCACAAGGTGAAGATACCCGAGGTGAAGGAGATCATTGAAGGCTGCATCCGCACG[G>T]ATAAGAACGAGAGGTGGGGGTGAAAGGGCAGAGCGTGGGTAGAATAGGGCCGCGGGCCGC-3'
Protein context (NP_115763.2, residues 406-426): KEIIEGCIRT[Asp416Tyr]KNERFTIQDL

ClinVar aggregate classification (germline): Uncertain significance. Review status: criteria provided, multiple submitters, no conflicts (2 of 4 stars). 2 submissions from 2 submitters: Uncertain significance (2). Last evaluated 2024-06-03.

Conditions:
Pseudohypoaldosteronism type 2B (PHA2B). Also called: Pseudohypoaldosteronism Type IIB. Identifiers: Orphanet 757, Orphanet 88939, MedGen C1840390, MONDO:0013777, OMIM 614491.

Submissions (2):

Fulgent Genetics
Classification: Uncertain significance for Pseudohypoaldosteronism type 2B. Last evaluated: 2024-06-03. Review status: criteria provided, single submitter. Criteria: ACMG Guidelines, 2015. Collection method: clinical testing. Allele origin: germline.

Labcorp Genetics (formerly Invitae), Labcorp
Classification: Uncertain significance. Last evaluated: 2022-08-21. Review status: criteria provided, single submitter. Criteria: Invitae Variant Classification Sherloc (09022015). Collection method: clinical testing. Allele origin: germline.
Comment: In summary, the available evidence is currently insufficient to determine the role of this variant in disease. Therefore, it has been classified as a Variant of Uncertain Significance. Algorithms developed to predict the effect of sequence changes on RNA splicing suggest that this variant may disrupt the consensus splice site. This variant is not present in population databases (gnomAD no frequency). This variant has not been reported in the literature in individuals affected with WNK4-related conditions. Advanced modeling of protein sequence and biophysical properties (such as structural, functional, and spatial information, amino acid conservation, physicochemical variation, residue mobility, and thermodynamic stability) performed at Invitae indicates that this missense variant is not expected to disrupt WNK4 protein function. This sequence change replaces aspartic acid, which is acidic and polar, with tyrosine, which is neutral and polar, at codon 416 of the WNK4 protein (p.Asp416Tyr).